The following is an entry in ClinVar:

ClinVar aggregate classification (germline): Uncertain significance (1 of 4 stars; one submission).

gnomAD v4.1: 16 of 1,612,664 alleles (0.00099%); highest among the groups gnomAD compares: East Asian, 0.0045%; no homozygotes.

Submission:

GeneDx
Classification: Uncertain significance. Last evaluated: 2024-02-15. Review status: criteria provided, single submitter. Criteria: GeneDx Variant Classification Process June 2021. Collection method: clinical testing. Allele origin: germline. Affected: yes.
Comment: Not observed at significant frequency in large population cohorts (gnomAD); In silico analysis supports that this missense variant does not alter protein structure/function; Has not been previously published as pathogenic or benign to our knowledge

NM_144508.5(KNL1):c.6440G>A (p.Arg2147His)

Gene: KNL1 (kinetochore scaffold 1; plus strand). Cytogenetic location: 15q15.1.
Variant type: single nucleotide variant.
Coding change: c.6440G>A on transcript NM_144508.5 (MANE Select); coding-DNA position 6440, G replaced by A.
Protein change: p.Arg2147His; replaces arginine 2147 with histidine.
Molecular consequence: missense variant.
Genome position (GRCh38, 1-based): chr15:40,654,933, G>A. VCF-style: chr15-40654933-G-A. GRCh37 (hg19) VCF-style: chr15-40947131-G-A.
Other names: c.6518G>A, p.Arg2173His (NM_170589.5); short protein forms R2147H, R2173H.
Identifiers: ClinVar variation 3369135 (VCV003369135.1).